The following is an entry in ClinVar:

NM_020745.4(AARS2):c.1844A>C (p.Gln615Pro)

Gene: AARS2 (alanyl-tRNA synthetase 2, mitochondrial; minus strand). Cytogenetic location: 6p21.1.
Variant type: single nucleotide variant.
Coding change: c.1844A>C on transcript NM_020745.4 (MANE Select); coding-DNA position 1844, A replaced by C.
Protein change: p.Gln615Pro; replaces glutamine 615 with proline.
Molecular consequence: missense variant.
Genome position (GRCh38, 1-based): chr6:44,304,442, T>G on the plus strand (A>C on the coding strand, the complement: AARS2 is on the minus strand). VCF-style: chr6-44304442-T-G. GRCh37 (hg19) VCF-style: chr6-44272179-T-G.
Other names: short protein forms Q615P.
Identifiers: ClinVar variation 2771804 (VCV002771804.3), dbSNP rs2534666239, ClinGen allele CA364338158.
Genomic context (GRCh38, chr6:44,304,442, plus strand): 5'-GCTGCAGGGTATTGGGAACAGTTAGGGAGGATCCTTACCTCATCCACATGCAGCTGCACC[T>G]GGTCCCCTAACCGCAGGCACTCAGGGGCTACTGCCTCATGCAGGATGAAACCTCCACAGA-3'
Protein context (NP_065796.2, residues 605-625): VAPECLRLGD[Gln615Pro]VQLHVDEAWR

ClinVar aggregate classification (germline): Uncertain significance (1 of 4 stars; one submission).

Submission:

Labcorp Genetics (formerly Invitae), Labcorp
Classification: Uncertain significance. Last evaluated: 2023-10-27. Review status: criteria provided, single submitter. Criteria: Invitae Variant Classification Sherloc (09022015). Collection method: clinical testing. Allele origin: germline.
Comment: This sequence change replaces glutamine, which is neutral and polar, with proline, which is neutral and non-polar, at codon 615 of the AARS2 protein (p.Gln615Pro). This variant is not present in population databases (gnomAD no frequency). This variant has not been reported in the literature in individuals affected with AARS2-related conditions. Advanced modeling of protein sequence and biophysical properties (such as structural, functional, and spatial information, amino acid conservation, physicochemical variation, residue mobility, and thermodynamic stability) performed at Invitae indicates that this missense variant is not expected to disrupt AARS2 protein function with a negative predictive value of 80%. In summary, the available evidence is currently insufficient to determine the role of this variant in disease. Therefore, it has been classified as a Variant of Uncertain Significance.